The following is an entry in ClinVar:

NM_000334.4(SCN4A):c.*2072G>A

Genes: GH-LCR (growth hormone locus control region; plus strand), SCN4A (sodium voltage-gated channel alpha subunit 4; minus strand). Cytogenetic location: 17q23.3.
Variant type: single nucleotide variant.
Coding change: c.*2072G>A on transcript NM_000334.4 (MANE Select); 2072 bases downstream of the stop codon, G replaced by A.
Molecular consequence: 3 prime UTR variant.
Genome position (GRCh38, 1-based): chr17:63,938,699, C>T on the plus strand (G>A on the coding strand, the complement: SCN4A is on the minus strand). VCF-style: chr17-63938699-C-T. GRCh37 (hg19) VCF-style: chr17-62016059-C-T.
Identifiers: ClinVar variation 324466 (VCV000324466.5), dbSNP rs192346663, ClinGen allele CA10646417.

ClinVar aggregate classification (germline): Conflicting classifications of pathogenicity. Review status: criteria provided, conflicting classifications (1 of 4 stars). 5 submissions from 1 submitter: Uncertain significance (1); Benign (4). Last evaluated 2018-01-13.

Conditions:
Congenital myasthenic syndrome 16. Identifiers: Orphanet 590, MedGen C3280112, MONDO:0013620, OMIM 614198.
Paramyotonia congenita of Von Eulenburg. Also called: Paramyotonia Congenita; PARALYSIS PERIODICA PARAMYOTONICA; Eulenburg disease; Myotonia congenita intermittens; Von Eulenburg paramyotonia congenita. Identifiers: Orphanet 684, MedGen C0221055, MONDO:0008195, OMIM 168300. Disease mechanism: loss of function.
Hypokalemic periodic paralysis, type 2 (HOKPP2). Identifiers: Orphanet 681, MedGen C2750061, MONDO:0013234, OMIM 613345.
Potassium-aggravated myotonia. Also called: Myotonia congenita, atypical, acetazolamide-responsive; MYOTONIA CONGENITA, ACETAZOLAMIDE-RESPONSIVE; MYOTONIA CONGENITA, ATYPICAL; SODIUM CHANNEL MUSCLE DISEASE. Identifiers: Orphanet 612, Orphanet 99734, Orphanet 99735, Orphanet 99736, MedGen C2931826, MONDO:0018959, OMIM 608390.
Hyperkalemic periodic paralysis. Also called: Familial hyperkalemic periodic paralysis; Gamstorp disease. Identifiers: Orphanet 682, MedGen C0238357, MONDO:0008224, OMIM 170500, HP:0007215.

Allele frequency attached by ClinVar (database versions not stated): 1000 Genomes Project 30x 0.00187; gnomAD 0.00099; TOPMed 0.00167; 1000 Genomes Project 0.00200.

Submissions (5):

Illumina Laboratory Services, Illumina
Classification: Benign for Hypokalemic periodic paralysis, type 2. Last evaluated: 2018-01-13. Review status: criteria provided, single submitter. Criteria: ICSL Variant Classification Criteria 13 December 2019. Collection method: clinical testing. Allele origin: germline.
Comment: This variant was observed in the ICSL laboratory as part of a predisposition screen in an ostensibly healthy population. It had not been previously curated by ICSL or reported in the Human Gene Mutation Database (HGMD: prior to June 1st, 2018), and was therefore a candidate for classification through an automated scoring system. Utilizing variant allele frequency, disease prevalence and penetrance estimates, and inheritance mode, an automated score was calculated to assess if this variant is too frequent to cause the disease. Based on the score and internal cut-off values, a variant classified as benign is not then subjected to further curation. The score for this variant resulted in a classification of benign for this disease.

Illumina Laboratory Services, Illumina
Classification: Uncertain significance for Congenital myasthenic syndrome 16. Last evaluated: 2018-01-13. Review status: criteria provided, single submitter. Criteria: ICSL Variant Classification Criteria 13 December 2019. Collection method: clinical testing. Allele origin: germline.

Illumina Laboratory Services, Illumina
Classification: Benign for Hyperkalemic periodic paralysis. Last evaluated: 2018-01-13. Review status: criteria provided, single submitter. Criteria: ICSL Variant Classification Criteria 13 December 2019. Collection method: clinical testing. Allele origin: germline.
Comment: the same text as in the submission from Illumina Laboratory Services, Illumina above.

Illumina Laboratory Services, Illumina
Classification: Benign for Potassium-aggravated myotonia. Last evaluated: 2018-01-13. Review status: criteria provided, single submitter. Criteria: ICSL Variant Classification Criteria 13 December 2019. Collection method: clinical testing. Allele origin: germline.
Comment: the same text as in the submission from Illumina Laboratory Services, Illumina above.

Illumina Laboratory Services, Illumina
Classification: Benign for Paramyotonia congenita of Von Eulenburg. Last evaluated: 2018-01-13. Review status: criteria provided, single submitter. Criteria: ICSL Variant Classification Criteria 13 December 2019. Collection method: clinical testing. Allele origin: germline.
Comment: the same text as in the submission from Illumina Laboratory Services, Illumina above.